The following is an entry in ClinVar:

ClinVar aggregate classification (germline): Likely pathogenic. Review status: criteria provided, multiple submitters, no conflicts (2 of 4 stars). 3 submissions from 3 submitters: Likely pathogenic (2). 1 of the submissions does not count toward it. Last evaluated 2023-04-10.

Conditions:
Carnitine palmitoyl transferase 1A deficiency. Also called: Carnitine palmitoyltransferase 1A deficiency; CPT deficiency, hepatic, type IA; CPT I DEFICIENCY; CPT DEFICIENCY, HEPATIC, TYPE I; Carnitine palmitoyltransferase type I deficiency. Identifiers: Orphanet 156, MedGen C1829703, MONDO:0009705, OMIM 255120.

Allele frequency attached by ClinVar (database versions not stated): gnomAD exomes below 0.00001.
gnomAD v4.1: 2 of 1,610,236 alleles (0.00012%); highest among the groups gnomAD compares: South Asian, 0.0022%; no homozygotes.

Submissions (3):

Baylor Genetics
Classification: Likely pathogenic for Carnitine palmitoyl transferase 1A deficiency. Last evaluated: 2023-04-10. Review status: criteria provided, single submitter. Criteria: ACMG Guidelines, 2015. Collection method: clinical testing. Allele origin: unknown.

Labcorp Genetics (formerly Invitae), Labcorp
Classification: Likely pathogenic for Carnitine palmitoyl transferase 1A deficiency. Last evaluated: 2019-05-20. Review status: criteria provided, single submitter. Criteria: Invitae Variant Classification Sherloc (09022015). Collection method: clinical testing. Allele origin: germline.
Comment: Algorithms developed to predict the effect of sequence changes on RNA splicing suggest that this variant may disrupt the consensus splice site, but this prediction has not been confirmed by published transcriptional studies. In summary, the currently available evidence indicates that the variant is pathogenic, but additional data are needed to prove that conclusively. Therefore, this variant has been classified as Likely Pathogenic. Donor and acceptor splice site variants typically lead to a loss of protein function (PMID: 16199547), and loss-of-function variants in CPT1A are known to be pathogenic (PMID: 16169268). This variant has not been reported in the literature in individuals with CPT1A-related conditions. ClinVar contains an entry for this variant (Variation ID: 371151). This variant is not present in population databases (ExAC no frequency). This sequence change affects an acceptor splice site in intron 12 of the CPT1A gene. It is expected to disrupt RNA splicing and likely results in an absent or disrupted protein product.

Counsyl
Classification: Likely pathogenic for Carnitine palmitoyl transferase 1A deficiency. Last evaluated: 2016-07-18. Review status: no assertion criteria provided. Collection method: clinical testing. Allele origin: unknown. Not counted in ClinVar's aggregate classification.

Literature cited by the submitters: PubMed 16199547 (cited by Labcorp Genetics (formerly Invitae), Labcorp); PubMed 16169268 (cited by Labcorp Genetics (formerly Invitae), Labcorp).

NM_001876.4(CPT1A):c.1459-1G>A

Gene: CPT1A (carnitine palmitoyltransferase 1A; minus strand). Cytogenetic location: 11q13.3.
Variant type: single nucleotide variant.
Coding change: c.1459-1G>A on transcript NM_001876.4 (MANE Select); the canonical splice acceptor site of the intron before coding-DNA position 1459, G replaced by A.
Molecular consequence: splice acceptor variant.
Genome position (GRCh38, 1-based): chr11:68,775,433, C>T on the plus strand (G>A on the coding strand, the complement: CPT1A is on the minus strand). VCF-style: chr11-68775433-C-T. GRCh37 (hg19) VCF-style: chr11-68542901-C-T.
Other names: c.1459-1G>A (NM_001031847.3).
Identifiers: ClinVar variation 371151 (VCV000371151.13), dbSNP rs1057517046, ClinGen allele CA16041536.